The following is an entry in ClinVar:

NM_021614.4(KCNN2):c.-45G>A

Gene: KCNN2 (potassium calcium-activated channel subfamily N member 2; plus strand). Cytogenetic location: 5q22.3.
Variant type: single nucleotide variant.
Coding change: c.-45G>A on transcript NM_021614.4 (MANE Select); 45 bases upstream of the start codon, G replaced by A.
Molecular consequence: 5 prime UTR variant. On other transcripts: missense variant (1), non-coding transcript variant (1).
Genome position (GRCh38, 1-based): chr5:114,362,095, G>A. VCF-style: chr5-114362095-G-A. GRCh37 (hg19) VCF-style: chr5-113697792-G-A.
Other names: c.154G>A, p.Gly52Arg (NM_001372233.1); short protein forms G52R.
Identifiers: ClinVar variation 4884910 (VCV004884910.2).

ClinVar aggregate classification (germline): Uncertain significance (1 of 4 stars; one submission).

gnomAD v4.1: 2 of 153,896 alleles (0.0013%); highest among the groups gnomAD compares: Non-Finnish European, 0.0029%; no homozygotes.

Submission:

Dasa
Classification: Uncertain significance. Last evaluated: 2026-04-12. Review status: criteria provided, single submitter. Criteria: DASA Assertion Criteria. Collection method: clinical testing. Allele origin: germline.
Comment: NM_001372233.1(KCNN2):c.154G>A (p.Gly52Arg) is a missense variant that results in the substitution of glycine with arginine. This variant is rare in population databases. The currently available literature and clinical evidence are not sufficient to establish a definitive association between this variant and the reported condition. Therefore, this variant is classified as a variant of uncertain significance.